The following is an entry in ClinVar:

ClinVar aggregate classification (germline): Uncertain significance (1 of 4 stars; one submission).

Conditions:
Hereditary breast ovarian cancer syndrome. Also called: Hereditary breast and ovarian cancer syndrome; BRCA1- and BRCA2-Associated Hereditary Breast and Ovarian Cancer; Hereditary breast and ovarian cancer; Hereditary breast and/or ovarian cancer syndrome; Hereditary breast and ovarian cancer syndrome (HBOC); Breast and ovarian cancer. Identifiers: Orphanet 145, MedGen C0677776, MeSH D061325, MONDO:0003582. Disease mechanism: loss of function.

Submission:

Labcorp Genetics (formerly Invitae), Labcorp
Classification: Uncertain significance for Hereditary breast ovarian cancer syndrome. Last evaluated: 2024-04-11. Review status: criteria provided, single submitter. Criteria: Invitae Variant Classification Sherloc (09022015). Collection method: clinical testing. Allele origin: germline.
Comment: This sequence change replaces glycine, which is neutral and non-polar, with tryptophan, which is neutral and slightly polar, at codon 3255 of the BRCA2 protein (p.Gly3255Trp). This variant is not present in population databases (gnomAD no frequency). This variant has not been reported in the literature in individuals affected with BRCA2-related conditions. ClinVar contains an entry for this variant (Variation ID: 2111448). Advanced modeling of protein sequence and biophysical properties (such as structural, functional, and spatial information, amino acid conservation, physicochemical variation, residue mobility, and thermodynamic stability) performed at Invitae indicates that this missense variant is not expected to disrupt BRCA2 protein function with a negative predictive value of 95%. In summary, the available evidence is currently insufficient to determine the role of this variant in disease. Therefore, it has been classified as a Variant of Uncertain Significance.

NM_000059.4(BRCA2):c.9763G>T (p.Gly3255Trp)

Gene: BRCA2 (BRCA2 DNA repair associated; plus strand). Cytogenetic location: 13q13.1.
Variant type: single nucleotide variant.
Coding change: c.9763G>T on transcript NM_000059.4 (MANE Select); coding-DNA position 9763, G replaced by T.
Protein change: p.Gly3255Trp; replaces glycine 3255 with tryptophan.
Molecular consequence: missense variant.
Genome position (GRCh38, 1-based): chr13:32,398,276, G>T. VCF-style: chr13-32398276-G-T. GRCh37 (hg19) VCF-style: chr13-32972413-G-T.
Other names: c.9667G>T, p.Gly3223Trp (NM_001406719.1); c.9712G>T, p.Gly3238Trp (NM_001406720.1); c.4831G>T, p.Gly1611Trp (NM_001406721.1); c.3346G>T, p.Gly1116Trp (NM_001406722.1); short protein forms G3223W, G1116W, G1611W, G3255W, G3238W.
Identifiers: ClinVar variation 2111448 (VCV002111448.4), dbSNP rs764208320, ClinGen allele CA387765758.